The following is an entry in ClinVar:

NM_000031.6(ALAD):c.481+1G>T

Gene: ALAD (aminolevulinate dehydratase; minus strand). Cytogenetic location: 9q32.
Variant type: single nucleotide variant.
Coding change: c.481+1G>T on transcript NM_000031.6 (MANE Select); the canonical splice donor site of the intron after coding-DNA position 481, G replaced by T.
Molecular consequence: splice donor variant.
Genome position (GRCh38, 1-based): chr9:113,390,592, C>A on the plus strand (G>T on the coding strand, the complement: ALAD is on the minus strand). VCF-style: chr9-113390592-C-A. GRCh37 (hg19) VCF-style: chr9-116152872-C-A.
Other names: c.568+1G>T (NM_001003945.3); c.457+1G>T (NM_001317745.2).
Identifiers: ClinVar variation 1068016 (VCV001068016.7), dbSNP rs1454432774, ClinGen allele CA374564335.
Genomic context (GRCh38, chr9:113,390,592, plus strand): 5'-TCCTAGCCACTCTGCCACCTCCTGACCCAGAGGTGCCCATCCCTGCTGGTGGTTCACTCA[C>A]CTGCCTTGGCATACGCCAATGCCACCTCAGCCAGCCGCTGGCGGCTCTCCTCAGCCCGGA-3'

ClinVar aggregate classification (germline): Likely pathogenic (1 of 4 stars; one submission).

Allele frequency attached by ClinVar (database versions not stated): gnomAD 0.00001.
gnomAD v4.1: 2 of 1,613,972 alleles (0.00012%); highest among the groups gnomAD compares: African/African-American, 0.0027%; no homozygotes.

Submission:

Labcorp Genetics (formerly Invitae), Labcorp
Classification: Likely pathogenic. Last evaluated: 2017-09-26. Review status: criteria provided, single submitter. Criteria: Invitae Variant Classification Sherloc (09022015). Collection method: clinical testing. Allele origin: germline.
Comment: In summary, the currently available evidence indicates that the variant is pathogenic, but additional data are needed to prove that conclusively. Therefore, this variant has been classified as Likely Pathogenic. Donor and acceptor splice site variants typically lead to a loss of protein function (PMID: 16199547), and loss-of-function variants in ALAD are known to be pathogenic (PMID: 10706561). This variant has not been reported in the literature in individuals with ALAD-related disease. This variant is not present in population databases (ExAC no frequency). This sequence change affects a donor splice site in intron 6 of the ALAD gene. It is expected to disrupt RNA splicing and likely results in an absent or disrupted protein product.

Literature cited by the submitters: PubMed 16199547; PubMed 10706561.